The following is an entry in ClinVar:

ClinVar aggregate classification (germline): Uncertain significance. Review status: criteria provided, multiple submitters, no conflicts (2 of 4 stars). 2 submissions from 2 submitters: Uncertain significance (2). Last evaluated 2018-10-31.

Conditions:
Hypertrophic cardiomyopathy 20. Identifiers: MedGen C3151267, MONDO:0013477, OMIM 613876.
Dilated cardiomyopathy 1CC (CMD1CC). Identifiers: Orphanet 154, MedGen C2751084, MONDO:0013147, OMIM 613122.

gnomAD v4.1: 1 of 1,613,484 alleles (0.000062%); highest among the groups gnomAD compares: South Asian, 0.0011%; no homozygotes.

Submissions (2):

Fulgent Genetics
Classification: Uncertain significance for Dilated cardiomyopathy 1CC; Hypertrophic cardiomyopathy 20. Last evaluated: 2018-10-31. Review status: criteria provided, single submitter. Criteria: ACMG Guidelines, 2015. Collection method: clinical testing. Allele origin: unknown.

Laboratory for Molecular Medicine, Mass General Brigham Personalized Medicine
Classification: Uncertain significance. Last evaluated: 2015-01-19. Review status: criteria provided, single submitter. Criteria: LMM Criteria. Collection method: clinical testing. Allele origin: germline. Observed: 1 variant allele.
Comment: The p.Gly29Val variant in NEXN has not been previously reported in individuals w ith cardiomyopathy or in large population studies. Computational prediction tool s and conservation analysis suggest that this variant may impact the protein, th ough this information is not predictive enough to determine pathogenicity. In su mmary, the clinical significance of the p.Gly29Val variant is uncertain.

NM_144573.4(NEXN):c.86G>T (p.Gly29Val)

Gene: NEXN (nexilin F-actin binding protein; plus strand). Cytogenetic location: 1p31.1.
Variant type: single nucleotide variant.
Coding change: c.86G>T on transcript NM_144573.4 (MANE Select); coding-DNA position 86, G replaced by T.
Protein change: p.Gly29Val; replaces glycine 29 with valine.
Molecular consequence: missense variant. On other transcripts: intron variant (1).
Genome position (GRCh38, 1-based): chr1:77,917,624, G>T. VCF-style: chr1-77917624-G-T. GRCh37 (hg19) VCF-style: chr1-78383309-G-T.
Other names: c.28-336G>T (NM_001172309.2); short protein forms G29V.
Identifiers: ClinVar variation 229061 (VCV000229061.6), dbSNP rs876657931, ClinGen allele CA10576434.
Genomic context (GRCh38, chr1:77,917,624, plus strand): 5'-AGATTCTGCTTTCTTCATCTAAACCTGTCCCAAAAACCTATGTACCAAAACTTGGCAAGG[G>T]TGATGTAAAGGATAAGTTTGAAGCCATGCAGAGAGCCAGGGAAGAAAGAAATCAAAGGAG-3'
Protein context (NP_653174.3, residues 19-39): PKTYVPKLGK[Gly29Val]DVKDKFEAMQ